The following is an entry in ClinVar:

ClinVar aggregate classification (germline): Uncertain significance (1 of 4 stars; one submission).

Conditions:
Dyskeratosis congenita, autosomal dominant 1 (DKCA1). Also called: Dyskeratosis congenita Scoggins type. Identifiers: Orphanet 1775, MedGen C4551974, MONDO:0007485, OMIM 127550. Inheritance: Variable.

Submission:

Labcorp Genetics (formerly Invitae), Labcorp
Classification: Uncertain significance for Dyskeratosis congenita, autosomal dominant 1. Last evaluated: 2021-05-13. Review status: criteria provided, single submitter. Criteria: Invitae Variant Classification Sherloc (09022015). Collection method: clinical testing. Allele origin: germline.
Comment: This variant occurs in the TERC gene, which encodes an RNA molecule that does not result in a protein product. In summary, the available evidence is currently insufficient to determine the role of this variant in disease. Therefore, it has been classified as a Variant of Uncertain Significance. This variant is located within the conserved regions 4 and 5 (CR4-CR5) domain of the TERC RNA component, which is required for telomerase activity (PMID: 15082312, 21844345). Functional studies testing the effect of this variant on TERC secondary structure or function have not been reported. This variant has not been reported in the literature in individuals with TERC-related conditions. This variant is not present in population databases (ExAC no frequency).

Literature cited by the submitters: PubMed 15082312; PubMed 21844345.

NC_000003.12:g.169764750G>C

Genes: TERC (telomerase RNA component; minus strand), LOC110806306 (telomerase RNA component (TERC) promoter; plus strand). Cytogenetic location: 3q26.2.
Variant type: single nucleotide variant.
Genome position: GRCh38 VCF-style: chr3-169764750-G-C. GRCh37 (hg19) VCF-style: chr3-169482538-G-C.
Identifiers: ClinVar variation 1353528 (VCV001353528.8), dbSNP rs2108182925, ClinGen allele CA436715083.
Genomic context (GRCh38, chr3:169,764,750, plus strand): 5'-TCCTGCGGCCTGAAAGGCCTGAACCTCGCCCTCGCCCCCGAGAGACCCGCGGCTGACAGA[G>C]CCCAACTCTTCGCGGTGGCAGTGGGTGCCTCCGGAGAAGCCCCGGGCCGACCGCGGCCTC-3'